The following is an entry in ClinVar:

NM_033641.4(COL4A6):c.4697G>A (p.Arg1566His)

Gene: COL4A6 (collagen type IV alpha 6 chain; minus strand). Cytogenetic location: Xq22.3.
Variant type: single nucleotide variant.
Coding change: c.4697G>A on transcript NM_033641.4 (MANE Select); coding-DNA position 4697, G replaced by A.
Protein change: p.Arg1566His; replaces arginine 1566 with histidine.
Molecular consequence: missense variant.
Genome position (GRCh38, 1-based): chrX:108,159,577, C>T on the plus strand (G>A on the coding strand, the complement: COL4A6 is on the minus strand). VCF-style: chrX-108159577-C-T. GRCh37 (hg19) VCF-style: chrX-107402807-C-T.
Other names: c.4748G>A, p.Arg1583His (NM_001287758.2); c.4625G>A, p.Arg1542His (NM_001287759.2); c.4526G>A, p.Arg1509His (NM_001287760.2); c.4700G>A, p.Arg1567His (NM_001847.4); short protein forms R1567H, R1583H, R1509H, R1542H, R1566H.
Identifiers: ClinVar variation 3692129 (VCV003692129.1).

ClinVar aggregate classification (germline): Uncertain significance (1 of 4 stars; one submission).

gnomAD v4.1: 21 of 1,210,646 alleles (0.0017%); highest among the groups gnomAD compares: African/African-American, 0.016%; no homozygotes.

Submission:

Labcorp Genetics (formerly Invitae), Labcorp
Classification: Uncertain significance. Last evaluated: 2024-05-01. Review status: criteria provided, single submitter. Criteria: Invitae Variant Classification Sherloc (09022015). Collection method: clinical testing. Allele origin: germline.
Comment: This sequence change replaces arginine, which is basic and polar, with histidine, which is basic and polar, at codon 1567 of the COL4A6 protein (p.Arg1567His). This variant is present in population databases (rs747418334, gnomAD 0.008%). This variant has not been reported in the literature in individuals affected with COL4A6-related conditions. Advanced modeling of protein sequence and biophysical properties (such as structural, functional, and spatial information, amino acid conservation, physicochemical variation, residue mobility, and thermodynamic stability) performed at Invitae indicates that this missense variant is expected to disrupt COL4A6 protein function with a positive predictive value of 80%. In summary, the available evidence is currently insufficient to determine the role of this variant in disease. Therefore, it has been classified as a Variant of Uncertain Significance.